The following is an entry in ClinVar:

ClinVar aggregate classification (germline): Pathogenic. Review status: criteria provided, multiple submitters, no conflicts (2 of 4 stars). 13 submissions from 13 submitters: Pathogenic (12). 1 of the submissions does not count toward it. Last evaluated 2026-01-02.

Conditions:
Hereditary cancer-predisposing syndrome. Also called: Tumor predisposition; Hereditary neoplastic syndrome; Neoplastic Syndromes, Hereditary; Hereditary Cancer Syndrome. Identifiers: Orphanet 140162, MedGen C0027672, MeSH D009386, MONDO:0015356.
Ataxia-telangiectasia syndrome (AT). Also called: Ataxia-telangiectasia, complementation group E; AT, COMPLEMENTATION GROUP C; ATAXIA-TELANGIECTASIA, COMPLEMENTATION GROUP A; ATAXIA-TELANGIECTASIA, FRESNO VARIANT; Ataxia-telangiectasia; LOUIS-BAR SYNDROME. Identifiers: Orphanet 100, MedGen C0004135, MONDO:0008840, OMIM 208900.
Familial cancer of breast. Also called: hereditary breast carcinoma; Hereditary breast cancer; BREAST CANCER, FAMILIAL. Identifiers: Orphanet 227535, MedGen C0346153, MONDO:0016419, OMIM 114480. Disease mechanism: loss of function.

Allele frequency attached by ClinVar (database versions not stated): gnomAD 0.00001; TOPMed 0.00001; gnomAD exomes below 0.00001.
gnomAD v4.1: 5 of 1,589,890 alleles (0.00031%); highest among the groups gnomAD compares: Admixed American, 0.0017%; no homozygotes.

Submissions (13):

Labcorp Genetics (formerly Invitae), Labcorp
Classification: Pathogenic for Ataxia-telangiectasia syndrome. Last evaluated: 2026-01-02. Review status: criteria provided, single submitter. Criteria: Invitae Variant Classification Sherloc (09022015). Collection method: clinical testing. Allele origin: germline.
Comment: This sequence change creates a premature translational stop signal (p.Trp1221*) in the ATM gene. It is expected to result in an absent or disrupted protein product. Loss-of-function variants in ATM are known to be pathogenic (PMID: 23807571, 25614872). The frequency data for this variant in the population databases is considered unreliable, as metrics indicate poor data quality at this position in the gnomAD database. This premature translational stop signal has been observed in individual(s) with ataxia-telangiectasia (PMID: 10330348, 22071889). ClinVar contains an entry for this variant (Variation ID: 220358). For these reasons, this variant has been classified as Pathogenic.

Ambry Genetics
Classification: Pathogenic for Hereditary cancer-predisposing syndrome. Last evaluated: 2025-09-29. Review status: criteria provided, single submitter. Criteria: Ambry Variant Classification Scheme 2023. Collection method: clinical testing. Allele origin: germline.
Comment: The p.W1221* pathogenic mutation (also known as c.3663G>A), located in coding exon 24 of the ATM gene, results from a G to A substitution at nucleotide position 3663. This changes the amino acid from a tryptophan to a stop codon within coding exon 24. This variant has been identified in the homozygous state and/or in conjunction with other ATM variant(s) in individual(s) with features consistent with ataxia-telangiectasia (Teraoka SN et al. Am. J. Hum. Genet., 1999 Jun;64:1617-31; Jacquemin V et al. Eur. J. Hum. Genet., 2012 Mar;20:305-12; Hoche F et al. Pediatr. Neurol., 2014 Sep;51:297-310; Micol RJ et al. J. Allergy Clin. Immunol. 2011 Aug;128(2):382-9.e1). This alteration is expected to result in loss of function by premature protein truncation or nonsense-mediated mRNA decay. As such, this alteration is interpreted as a disease-causing mutation.

Quest Diagnostics Nichols Institute San Juan Capistrano
Classification: Pathogenic. Last evaluated: 2024-12-19. Review status: criteria provided, single submitter. Criteria: Quest Diagnostics criteria. Collection method: clinical testing. Allele origin: unknown.
Comment: The ATM c.3663G>A (p.Trp1221*) variant causes the premature termination of ATM protein synthesis. This variant has been reported in the published literature in multiple individuals with ataxia-telangiectasia (PMID: 10330348 (1999), 12815592 (2003), 21665257 (2011), 22071889 (2011), 25037873 (2014)) and in one individual with early-onset breast cancer (PMID: 32756499 (2020)). The frequency of this variant in the general population (Genome Aggregation Database) is consistent with pathogenicity. Based on the available information, this variant is classified as pathogenic.

Natera, Inc.
Classification: Pathogenic for Ataxia-telangiectasia. Last evaluated: 2024-06-03. Review status: criteria provided, single submitter. Criteria: Natera Variant Classification Schema (03/2026). Collection method: clinical testing. Allele origin: germline.
Comment: The c.3663G>A variant in ATM is a nonsense variant predicted to introduce a stop codon at amino acid 1221. This variant is expected to result in nonsense mediated decay, truncation, or a dysfunctional protein product. This variant is rare in the general population with a frequency below the threshold expected for the associated phenotype(s). This variant has been observed in one or more individuals affected with the associated recessive disease, as either homozygous or compound heterozygous with a second variant (PMID: 25122203). Given the available evidence, this variant is classified as Pathogenic.

Baylor Genetics
Classification: Pathogenic for Familial cancer of breast. Last evaluated: 2024-03-28. Review status: criteria provided, single submitter. Criteria: ACMG Guidelines, 2015. Collection method: clinical testing. Allele origin: unknown.

Myriad Genetics, Inc.
Classification: Pathogenic for Familial cancer of breast. Last evaluated: 2024-01-22. Review status: criteria provided, single submitter. Criteria: Myriad Autosomal Dominant, Autosomal Recessive and X-Linked Classification Criteria (2023). Collection method: clinical testing. Allele origin: unknown.
Comment: This variant is considered pathogenic. This variant creates a termination codon and is predicted to result in premature protein truncation.

Institute for Clinical Genetics, University Hospital TU Dresden, University Hospital TU Dresden
Classification: Pathogenic. Last evaluated: 2023-02-09. Review status: criteria provided, single submitter. Criteria: ACMG Guidelines, 2015. Collection method: clinical testing. Allele origin: germline.

GeneDx
Classification: Pathogenic. Last evaluated: 2022-11-17. Review status: criteria provided, single submitter. Criteria: GeneDx Variant Classification Process June 2021. Collection method: clinical testing. Allele origin: germline. Affected: yes.
Comment: Nonsense variant predicted to result in protein truncation or nonsense mediated decay in a gene for which loss-of-function is a known mechanism of disease; Observed with a second pathogenic ATM variant in multiple unrelated individuals with ataxia-telangiectasia (Teraoka 1999, Bernstein 2003, Jacquemin 2012, Hoche 2014); Not observed at significant frequency in large population cohorts (gnomAD); Truncating variants in this gene are considered pathogenic by a well-established clinical consortium and/or database; This variant is associated with the following publications: (PMID: 10330348, 12673797, 25037873, 16461462, 22071889, 25525159, 12815592, 32756499, 35095854)

Color Diagnostics, LLC DBA Color Health
Classification: Pathogenic for Hereditary cancer-predisposing syndrome. Last evaluated: 2022-08-08. Review status: criteria provided, single submitter. Criteria: ACMG Guidelines, 2015. Collection method: clinical testing. Allele origin: germline.
Comment: This variant changes 1 nucleotide in exon 25 of the ATM gene, creating a premature translation stop signal. This variant is expected to result in an absent or non-functional protein product. This variant has been reported in the compound heterozygous state in individuals affected with ataxia-telangiectasia (PMID: 10330348, 12673797, 22071889, 25037873). This variant has also been reported in an individual affected with breast cancer (PMID: 32756499). This variant has been identified in 2/282288 chromosomes in the general population by the Genome Aggregation Database (gnomAD). Loss of ATM function is a known mechanism of disease. Based on the available evidence, this variant is classified as Pathogenic.

Revvity Omics, Revvity
Classification: Pathogenic for Ataxia-telangiectasia syndrome. Last evaluated: 2022-06-15. Review status: criteria provided, single submitter. Criteria: ACMG Guidelines, 2015. Collection method: clinical testing. Allele origin: germline.

Fulgent Genetics
Classification: Pathogenic for Familial cancer of breast; Ataxia-telangiectasia syndrome. Last evaluated: 2022-05-18. Review status: criteria provided, single submitter. Criteria: ACMG Guidelines, 2015. Collection method: clinical testing. Allele origin: unknown.

Women's Health and Genetics/Laboratory Corporation of America, LabCorp
Classification: Pathogenic for Ataxia-telangiectasia syndrome. Last evaluated: 2018-02-08. Review status: criteria provided, single submitter. Criteria: LabCorp Variant Classification Summary - May 2015. Collection method: clinical testing. Allele origin: germline.
Comment: Variant summary: ATM c.3663G>A (p.Trp1221X) results in a premature termination codon, predicted to cause a truncation of the encoded protein or absence of the protein due to nonsense mediated decay, which are commonly known mechanisms for disease. Truncations downstream of this position have been classified as pathogenic by our laboratory (e.g., p.Leu1238fsX6 and p.Arg1466X). The variant was absent in 120132 control chromosomes. The c.3663G>A variant has been reported in the literature in several compound heterozygous individuals affected with Ataxia-Telangiectasia. These data indicate that the variant may be associated with disease. Four clinical diagnostic laboratories have submitted clinical-significance assessments for this variant to ClinVar after 2014 without evidence for independent evaluation. All laboratories classified the variant as pathogenic. Based on the evidence outlined above, the variant was classified as pathogenic.

Counsyl
Classification: Pathogenic for Ataxia-telangiectasia syndrome. Last evaluated: 2016-10-04. Review status: no assertion criteria provided. Collection method: clinical testing. Allele origin: unknown. Not counted in ClinVar's aggregate classification.

Literature cited by the submitters: PubMed 23807571 (cited by Labcorp Genetics (formerly Invitae), Labcorp); PubMed 25614872 (cited by Labcorp Genetics (formerly Invitae), Labcorp); PubMed 10330348 (cited by 4 submitters); PubMed 22071889 (cited by 5 submitters); PubMed 12673797 (cited by 3 submitters); PubMed 12815592 (cited by 3 submitters); PubMed 25037873 (cited by 4 submitters); PubMed 25122203 (cited by Natera, Inc.); PubMed 32756499 (cited by Color Diagnostics, LLC DBA Color Health); PubMed 21665257 (cited by Women's Health and Genetics/Laboratory Corporation of America, LabCorp).

NM_000051.4(ATM):c.3663G>A (p.Trp1221Ter)

Gene: ATM (ATM serine/threonine kinase; plus strand). Cytogenetic location: 11q22.3.
Variant type: single nucleotide variant.
Coding change: c.3663G>A on transcript NM_000051.4 (MANE Select); coding-DNA position 3663, G replaced by A.
Protein change: p.Trp1221Ter; replaces tryptophan 1221 with a stop codon.
Molecular consequence: nonsense.
Genome position (GRCh38, 1-based): chr11:108,282,796, G>A. VCF-style: chr11-108282796-G-A. GRCh37 (hg19) VCF-style: chr11-108153523-G-A.
Other names: c.3663G>A, p.Trp1221Ter (NM_001351834.2); short protein forms W1221*.
Identifiers: ClinVar variation 220358 (VCV000220358.35), dbSNP rs864622490, ClinGen allele CA350108.